The following is an entry in ClinVar:

ClinVar aggregate classification (germline): Uncertain significance. Review status: criteria provided, multiple submitters, no conflicts (2 of 4 stars). 2 submissions from 2 submitters: Uncertain significance (2). Last evaluated 2022-04-12.

Conditions:
MHC class II deficiency. Also called: Bare lymphocyte syndrome 2; BLS, TYPE II. Identifiers: Orphanet 572, MedGen C5447452, MONDO:0008855.

Allele frequency attached by ClinVar (database versions not stated): gnomAD exomes 0.00001; TOPMed 0.00003.
gnomAD v4.1: 10 of 1,613,168 alleles (0.00062%); highest among the groups gnomAD compares: African/African-American, 0.0013%; no homozygotes.

Submissions (2):

Labcorp Genetics (formerly Invitae), Labcorp
Classification: Uncertain significance for MHC class II deficiency. Last evaluated: 2022-04-12. Review status: criteria provided, single submitter. Criteria: Invitae Variant Classification Sherloc (09022015). Collection method: clinical testing. Allele origin: germline.
Comment: This sequence change replaces threonine, which is neutral and polar, with methionine, which is neutral and non-polar, at codon 1109 of the CIITA protein (p.Thr1109Met). The frequency data for this variant in the population databases is considered unreliable, as metrics indicate poor data quality at this position in the gnomAD database. This variant has not been reported in the literature in individuals affected with CIITA-related conditions. Algorithms developed to predict the effect of missense changes on protein structure and function are either unavailable or do not agree on the potential impact of this missense change (SIFT: "Deleterious"; PolyPhen-2: "Probably Damaging"; Align-GVGD: "Class C0"). In summary, the available evidence is currently insufficient to determine the role of this variant in disease. Therefore, it has been classified as a Variant of Uncertain Significance.

Women's Health and Genetics/Laboratory Corporation of America, LabCorp
Classification: Uncertain significance. Last evaluated: 2022-03-03. Review status: criteria provided, single submitter. Criteria: LabCorp Variant Classification Summary - May 2015. Collection method: clinical testing. Allele origin: germline.
Comment: Variant summary: CIITA c.3326C>T (p.Thr1109Met) results in a non-conservative amino acid change in the encoded protein sequence. Four of five in-silico tools predict a damaging effect of the variant on protein function. The variant allele was found at a frequency of 8e-06 in 250398 control chromosomes (gnomAD). The available data on variant occurrences in the general population are insufficient to allow any conclusion about variant significance. To our knowledge, no occurrence of c.3326C>T in individuals affected with Bare Lymphocyte Syndrome 2 - CIITA Related and no experimental evidence demonstrating its impact on protein function have been reported. One ClinVar submitter has assessed the variant since 2014: the variant was classified as of uncertain significance. Based on the evidence outlined above, the variant was classified as uncertain significance.

NM_000246.4(CIITA):c.3326C>T (p.Thr1109Met)

Gene: CIITA (class II major histocompatibility complex transactivator; plus strand). Cytogenetic location: 16p13.13.
Variant type: single nucleotide variant.
Coding change: c.3326C>T on transcript NM_000246.4 (MANE Select); coding-DNA position 3326, C replaced by T.
Protein change: p.Thr1109Met; replaces threonine 1109 with methionine.
Molecular consequence: missense variant. On other transcripts: non-coding transcript variant (1).
Genome position (GRCh38, 1-based): chr16:10,923,236, C>T. VCF-style: chr16-10923236-C-T. GRCh37 (hg19) VCF-style: chr16-11017093-C-T.
Other names: c.3329C>T, p.Thr1110Met (NM_001286402.1, NM_001379332.1); c.1574C>T, p.Thr525Met (NM_001286403.2); c.3182C>T, p.Thr1061Met (NM_001379330.1); c.3179C>T, p.Thr1060Met (NM_001379331.1); c.3326C>T, p.Thr1109Met (NM_001379333.1); c.3257C>T, p.Thr1086Met (NM_001379334.1); short protein forms T1060M, T1061M, T1086M, T1109M, T1110M, T525M.
Identifiers: ClinVar variation 1677214 (VCV001677214.3), dbSNP rs1013962316, ClinGen allele CA277691939.